The following is an entry in ClinVar:

ClinVar aggregate classification (germline): Uncertain significance (1 of 4 stars; one submission).

Allele frequency attached by ClinVar (database versions not stated): TOPMed below 0.00001.
gnomAD v4.1: 6 of 1,614,086 alleles (0.00037%); highest among the groups gnomAD compares: Admixed American, 0.0017%; no homozygotes.

Submission:

Women's Health and Genetics/Laboratory Corporation of America, LabCorp
Classification: Uncertain significance. Last evaluated: 2024-03-13. Review status: criteria provided, single submitter. Criteria: LabCorp Variant Classification Summary - May 2015. Collection method: clinical testing. Allele origin: germline.
Comment: Variant summary: KAT5 c.326C>T (p.Pro109Leu) results in a non-conservative amino acid change in the encoded protein sequence. Three of five in-silico tools predict a damaging effect of the variant on protein function. The variant allele was found at a frequency of 4e-06 in 251316 control chromosomes. The available data on variant occurrences in the general population are insufficient to allow any conclusion about variant significance. To our knowledge, no occurrence of c.326C>T in individuals affected with Neurodevelopmental Disorder With Dysmorphic Facies, Sleep Disturbance, And Brain Abnormalities and no experimental evidence demonstrating its impact on protein function have been reported. No submitters have cited clinical-significance assessments for this variant to ClinVar. Based on the evidence outlined above, the variant was classified as uncertain significance.

NM_182710.3(KAT5):c.425C>T (p.Pro142Leu)

Gene: KAT5 (lysine acetyltransferase 5; plus strand). Cytogenetic location: 11q13.1.
Variant type: single nucleotide variant.
Coding change: c.425C>T on transcript NM_182710.3 (MANE Select); coding-DNA position 425, C replaced by T.
Protein change: p.Pro142Leu; replaces proline 142 with leucine.
Molecular consequence: missense variant. On other transcripts: intron variant (2).
Genome position (GRCh38, 1-based): chr11:65,713,388, C>T. VCF-style: chr11-65713388-C-T. GRCh37 (hg19) VCF-style: chr11-65480859-C-T.
Other names: c.326C>T, p.Pro109Leu (NM_006388.4); c.385-205C>T (NM_001206833.2); c.286-205C>T (NM_182709.3); short protein forms P109L, P142L.
Identifiers: ClinVar variation 3233455 (VCV003233455.2), dbSNP rs1479110981, ClinGen allele CA381281161.